The following is an entry in ClinVar:

ClinVar aggregate classification (germline): Benign (1 of 4 stars; one submission).

Allele frequency attached by ClinVar (database versions not stated): ExAC 0.00167; ESP Exome Variant Server 0.00308; TOPMed 0.00343; 1000 Genomes Project 0.00399; 1000 Genomes Project 30x 0.00515.
gnomAD v4.1: 927 of 1,592,158 alleles (0.058%); highest among the groups gnomAD compares: African/African-American, 1.2%; 9 homozygotes.

Submission:

CeGaT Center for Human Genetics Tuebingen
Classification: Benign. Last evaluated: 2022-07-01. Review status: criteria provided, single submitter. Criteria: CeGaT Center For Human Genetics Tuebingen Variant Classification Criteria Version 2. Collection method: clinical testing. Allele origin: germline. Affected: yes. Observed: 1 variant allele.
Comment: MAPK8IP3: BS1, BS2

NM_001318852.2(MAPK8IP3):c.1575G>A (p.Thr525=)

Gene: MAPK8IP3 (mitogen-activated protein kinase 8 interacting protein 3; plus strand). Cytogenetic location: 16p13.3.
Variant type: single nucleotide variant.
Coding change: c.1575G>A on transcript NM_001318852.2 (MANE Select); coding-DNA position 1575, G replaced by A.
Protein change: p.Thr525=; no amino-acid change (threonine 525 retained).
Molecular consequence: synonymous variant.
Genome position (GRCh38, 1-based): chr16:1,762,386, G>A. VCF-style: chr16-1762386-G-A. GRCh37 (hg19) VCF-style: chr16-1812387-G-A.
Other names: c.1554G>A, p.Thr518= (NM_001040439.2); c.1572G>A, p.Thr524= (NM_015133.5, NM_033392.3).
Identifiers: ClinVar variation 2645918 (VCV002645918.24), dbSNP rs116332472, ClinGen allele CA7816936.
Genomic context (GRCh38, chr16:1,762,386, plus strand): 5'-AGCCTCTGTGCCCCTCCCTCCGCAGGACAAAATCCCCATGGCCCAGCGCCGCCGCTTCAC[G>A]CGGGTGGAGATGGCCCGTGTGCTCATGGAGCGGAACCAGTACAAGGAGCGGCTGATGGAG-3'
Protein context (NP_001305781.1, residues 515-535): KIPMAQRRRF[Thr525=]RVEMARVLME